The following is an entry in ClinVar:

ClinVar aggregate classification (germline): Likely benign (1 of 4 stars; one submission).

gnomAD v4.1: 5 of 1,614,142 alleles (0.00031%); highest among the groups gnomAD compares: Middle Eastern, 0.066%; 1 homozygote.

Submission:

CeGaT Center for Human Genetics Tuebingen
Classification: Likely benign. Last evaluated: 2026-03-01. Review status: criteria provided, single submitter. Criteria: CeGaT Center For Human Genetics Tuebingen Variant Classification Criteria Version 2. Collection method: clinical testing. Allele origin: germline. Affected: yes. Observed: 1 variant allele.
Comment: FLNB: BP4, BP7

NM_001457.4(FLNB):c.3045T>C (p.Ala1015=)

Gene: FLNB (filamin B; plus strand). Cytogenetic location: 3p14.3.
Variant type: single nucleotide variant.
Coding change: c.3045T>C on transcript NM_001457.4 (MANE Select); coding-DNA position 3045, T replaced by C.
Protein change: p.Ala1015=; no amino-acid change (alanine 1015 retained).
Molecular consequence: synonymous variant.
Genome position (GRCh38, 1-based): chr3:58,121,422, T>C. VCF-style: chr3-58121422-T-C. GRCh37 (hg19) VCF-style: chr3-58107149-T-C.
Other names: c.3045T>C, p.Ala1015= (NM_001164317.2, NM_001164318.2, NM_001164319.2).
Identifiers: ClinVar variation 4822237 (VCV004822237.4).